The following is an entry in ClinVar:

NM_005591.4(MRE11):c.1A>G (p.Met1Val)

Gene: MRE11 (MRE11 double strand break repair nuclease; minus strand). Cytogenetic location: 11q21.
Variant type: single nucleotide variant.
Coding change: c.1A>G on transcript NM_005591.4 (MANE Select); coding-DNA position 1, A replaced by G.
Protein change: p.Met1Val; changes the start codon (methionine 1).
Molecular consequence: missense variant, initiator codon variant.
Genome position (GRCh38, 1-based): chr11:94,492,801, T>C on the plus strand (A>G on the coding strand, the complement: MRE11 is on the minus strand). VCF-style: chr11-94492801-T-C. GRCh37 (hg19) VCF-style: chr11-94225967-T-C.
Other names: c.1A>G, p.Met1Val (NM_001330347.2, NM_005590.4); short protein forms M1V.
Identifiers: ClinVar variation 2729147 (VCV002729147.3), dbSNP rs746846327, ClinGen allele CA6235520.

ClinVar aggregate classification (germline): Uncertain significance (1 of 4 stars; one submission).

Conditions:
Ataxia-telangiectasia-like disorder (ATLD). Identifiers: MedGen C1858391, MONDO:0011457.

Allele frequency attached by ClinVar (database versions not stated): gnomAD exomes below 0.00001; ExAC 0.00001; gnomAD 0.00001.

Submission:

Labcorp Genetics (formerly Invitae), Labcorp
Classification: Uncertain significance for Ataxia-telangiectasia-like disorder. Last evaluated: 2023-05-21. Review status: criteria provided, single submitter. Criteria: Invitae Variant Classification Sherloc (09022015). Collection method: clinical testing. Allele origin: germline.
Comment: Algorithms developed to predict the effect of sequence changes on RNA splicing suggest that this variant may disrupt the consensus splice site. In summary, the available evidence is currently insufficient to determine the role of this variant in disease. Therefore, it has been classified as a Variant of Uncertain Significance. Disruption of the initiator codon has been observed in individual(s) with ovarian cancer (PMID: 28975465). This variant is present in population databases (rs746846327, gnomAD 0.002%). This sequence change affects the initiator methionine of the MRE11 mRNA. The next in-frame methionine is located at codon 26.

Literature cited by the submitters: PubMed 28975465.